The following is an entry in ClinVar:

ClinVar aggregate classification (germline): Pathogenic (1 of 4 stars; one submission).

Conditions:
Meckel-Gruber syndrome. Also called: GRUBER SYNDROME; DYSENCEPHALIA SPLANCHNOCYSTICA; Dysencephalia splachnocystica. Identifiers: Orphanet 564, MedGen C0265215, MONDO:0018921.
Joubert syndrome. Also called: Familial aplasia of the vermis; JOUBERT-BOLTSHAUSER SYNDROME; CEREBELLOPARENCHYMAL DISORDER IV. Identifiers: Orphanet 475, MedGen C5979921, MONDO:0018772.
Nephronophthisis. Also called: Juvenile Nephronophthisis. Identifiers: Orphanet 655, MedGen C0687120, MONDO:0019005, HP:0000090.

Submission:

Labcorp Genetics (formerly Invitae), Labcorp
Classification: Pathogenic for Joubert syndrome; Meckel-Gruber syndrome; Nephronophthisis. Last evaluated: 2025-11-18. Review status: criteria provided, single submitter. Criteria: Invitae Variant Classification Sherloc (09022015). Collection method: clinical testing. Allele origin: germline.
Comment: This sequence change creates a premature translational stop signal (p.Trp833*) in the CEP290 gene. It is expected to result in an absent or disrupted protein product. Loss-of-function variants in CEP290 are known to be pathogenic (PMID: 16909394, 17345604, 20690115). This variant is not present in population databases (gnomAD no frequency). This variant has not been reported in the literature in individuals affected with CEP290-related conditions. For these reasons, this variant has been classified as Pathogenic.

Literature cited by the submitters: PubMed 16909394; PubMed 17345604; PubMed 20690115.

NM_025114.4(CEP290):c.2498G>A (p.Trp833Ter)

Gene: CEP290 (centrosomal protein 290; minus strand). Cytogenetic location: 12q21.32.
Variant type: single nucleotide variant.
Coding change: c.2498G>A on transcript NM_025114.4 (MANE Select); coding-DNA position 2498, G replaced by A.
Protein change: p.Trp833Ter; replaces tryptophan 833 with a stop codon.
Molecular consequence: nonsense.
Genome position (GRCh38, 1-based): chr12:88,107,084, C>T on the plus strand (G>A on the coding strand, the complement: CEP290 is on the minus strand). VCF-style: chr12-88107084-C-T. GRCh37 (hg19) VCF-style: chr12-88500861-C-T.
Other names: short protein forms W833*.
Identifiers: ClinVar variation 4794453 (VCV004794453.1).
Genomic context (GRCh38, chr12:88,107,084, plus strand): 5'-TGTTGGACTTGATCCTCAAGTTTTCTCTTTTCCTCTTTTATTGTTTTAGATTCTGTTTTC[C>T]AGGTCTCCTTTTCACTAAAAACAAAACAAAACAAAAAGACAATACTGTAAACCTAATAAA-3'